The following is an entry in ClinVar:

NM_006494.4(ERF):c.433C>T (p.Pro145Ser)

Gene: ERF (ETS2 repressor factor; minus strand). Cytogenetic location: 19q13.2.
Variant type: single nucleotide variant.
Coding change: c.433C>T on transcript NM_006494.4 (MANE Select); coding-DNA position 433, C replaced by T.
Protein change: p.Pro145Ser; replaces proline 145 with serine.
Molecular consequence: missense variant.
Genome position (GRCh38, 1-based): chr19:42,249,679, G>A on the plus strand (C>T on the coding strand, the complement: ERF is on the minus strand). VCF-style: chr19-42249679-G-A. GRCh37 (hg19) VCF-style: chr19-42753831-G-A.
Other names: c.208C>T, p.Pro70Ser (NM_001301035.2, NM_001308402.2, NM_001312656.2); short protein forms P145S, P70S.
Identifiers: ClinVar variation 1313906 (VCV001313906.2), dbSNP rs2146950631, ClinGen allele CA406113639.

ClinVar aggregate classification (germline): Uncertain significance (1 of 4 stars; one submission).

Submission:

GeneDx
Classification: Uncertain significance. Last evaluated: 2021-01-07. Review status: criteria provided, single submitter. Criteria: GeneDx Variant Classification Process June 2021. Collection method: clinical testing. Allele origin: germline. Affected: yes.
Comment: Not observed in large population cohorts (Lek et al., 2016); In silico analysis supports that this missense variant has a deleterious effect on protein structure/function; Has not been previously published as pathogenic or benign to our knowledge